The following is an entry in ClinVar:

ClinVar aggregate classification (germline): Uncertain significance (1 of 4 stars; one submission).

Conditions:
Dilated cardiomyopathy 1O (CMD1O). Also called: CARDIOMYOPATHY, DILATED, WITH VENTRICULAR TACHYCARDIA. Identifiers: Orphanet 154, MedGen C1837839, MONDO:0012062, OMIM 608569.

Submission:

Labcorp Genetics (formerly Invitae), Labcorp
Classification: Uncertain significance for Dilated cardiomyopathy 1O. Last evaluated: 2024-11-28. Review status: criteria provided, single submitter. Criteria: Invitae Variant Classification Sherloc (09022015). Collection method: clinical testing. Allele origin: germline.
Comment: This sequence change replaces asparagine, which is neutral and polar, with lysine, which is basic and polar, at codon 450 of the ABCC9 protein (p.Asn450Lys). This variant is not present in population databases (gnomAD no frequency). This variant has not been reported in the literature in individuals affected with ABCC9-related conditions. Invitae Evidence Modeling of protein sequence and biophysical properties (such as structural, functional, and spatial information, amino acid conservation, physicochemical variation, residue mobility, and thermodynamic stability) indicates that this missense variant is not expected to disrupt ABCC9 protein function with a negative predictive value of 80%. In summary, the available evidence is currently insufficient to determine the role of this variant in disease. Therefore, it has been classified as a Variant of Uncertain Significance.

NM_020297.4(ABCC9):c.1350T>G (p.Asn450Lys)

Gene: ABCC9 (ATP binding cassette subfamily C member 9; minus strand). Cytogenetic location: 12p12.1.
Variant type: single nucleotide variant.
Coding change: c.1350T>G on transcript NM_020297.4 (MANE Select); coding-DNA position 1350, T replaced by G.
Protein change: p.Asn450Lys; replaces asparagine 450 with lysine.
Molecular consequence: missense variant.
Genome position (GRCh38, 1-based): chr12:21,908,182, A>C on the plus strand (T>G on the coding strand, the complement: ABCC9 is on the minus strand). VCF-style: chr12-21908182-A-C. GRCh37 (hg19) VCF-style: chr12-22061116-A-C.
Other names: c.1350T>G, p.Asn450Lys (NM_001377273.1, NM_005691.4); c.486T>G, p.Asn162Lys (NM_001377274.1); short protein forms N450K, N162K.
Identifiers: ClinVar variation 3705108 (VCV003705108.2).